The following is an entry in ClinVar:

ClinVar aggregate classification (germline): Likely benign. Review status: criteria provided, single submitter (1 of 4 stars). 2 submissions from 2 submitters: Likely benign (1). 1 of the submissions does not count toward it. Last evaluated 2019-12-31.

Conditions:
PLCD1-related disorder. Also called: PLCD1-related condition.

Allele frequency attached by ClinVar (database versions not stated): ESP Exome Variant Server 0.00162; gnomAD 0.00170 and 0.00159; gnomAD exomes 0.00018 and 0.00040; 1000 Genomes Project 0.00060; TOPMed 0.00179; 1000 Genomes Project 30x 0.00047; ExAC 0.00100.
gnomAD v4.1: 525 of 1,577,826 alleles (0.033%); highest among the groups gnomAD compares: African/African-American, 0.58%; 1 homozygote.

Submissions (2):

Labcorp Genetics (formerly Invitae), Labcorp
Classification: Likely benign. Last evaluated: 2019-12-31. Review status: criteria provided, single submitter. Criteria: Invitae Variant Classification Sherloc (09022015). Collection method: clinical testing. Allele origin: germline.

PreventionGenetics, part of Exact Sciences
Classification: Likely benign for PLCD1-related condition. Last evaluated: 2021-02-08. Review status: no assertion criteria provided. Collection method: clinical testing. Allele origin: germline. Not counted in ClinVar's aggregate classification.
Comment: This variant is classified as likely benign based on ACMG/AMP sequence variant interpretation guidelines (Richards et al. 2015 PMID: 25741868, with internal and published modifications).

NM_006225.4(PLCD1):c.239G>A (p.Arg80His)

Gene: PLCD1 (phospholipase C delta 1; minus strand). Cytogenetic location: 3p22.2.
Variant type: single nucleotide variant.
Coding change: c.239G>A on transcript NM_006225.4 (MANE Select); coding-DNA position 239, G replaced by A.
Protein change: p.Arg80His; replaces arginine 80 with histidine.
Molecular consequence: missense variant. On other transcripts: non-coding transcript variant (1).
Genome position (GRCh38, 1-based): chr3:38,016,680, C>T on the plus strand (G>A on the coding strand, the complement: PLCD1 is on the minus strand). VCF-style: chr3-38016680-C-T. GRCh37 (hg19) VCF-style: chr3-38058171-C-T.
Other names: c.302G>A, p.Arg101His (NM_001130964.2); short protein forms R101H, R80H.
Identifiers: ClinVar variation 722576 (VCV000722576.6), dbSNP rs141932732, ClinGen allele CA2313442.
Genomic context (GRCh38, chr3:38,016,680, plus strand): 5'-ACAATGGAGAAGCAGCGGTCCTCGGGCACATCACGGGCGAACTTCTCCAGACCCTCCGTG[C>T]GGTGCCCCATTCGCACCTCCTGAATGTCCTCGATGGAGACTGCGAGAGGGGGATGGTGGA-3'
Protein context (NP_006216.2, residues 70-90): EDIQEVRMGH[Arg80His]TEGLEKFARD